The following is an entry in ClinVar:

NM_032776.3(JMJD1C):c.1700G>C (p.Ser567Thr)

Gene: JMJD1C (jumonji domain containing 1C; minus strand). Cytogenetic location: 10q21.3.
Variant type: single nucleotide variant.
Coding change: c.1700G>C on transcript NM_032776.3 (MANE Select); coding-DNA position 1700, G replaced by C.
Protein change: p.Ser567Thr; replaces serine 567 with threonine.
Molecular consequence: missense variant. On other transcripts: non-coding transcript variant (1).
Genome position (GRCh38, 1-based): chr10:63,214,467, C>G on the plus strand (G>C on the coding strand, the complement: JMJD1C is on the minus strand). VCF-style: chr10-63214467-C-G. GRCh37 (hg19) VCF-style: chr10-64974227-C-G.
Other names: c.1154G>C, p.Ser385Thr (NM_001282948.2, NM_001318154.2); c.836G>C, p.Ser279Thr (NM_001318153.2); c.1586G>C, p.Ser529Thr (NM_001322252.2); c.1043G>C, p.Ser348Thr (NM_001322254.2, NM_001322258.2); short protein forms S279T, S385T, S529T, S567T, S348T.
Identifiers: ClinVar variation 2083780 (VCV002083780.4), dbSNP rs2492780330, ClinGen allele CA377048069.

ClinVar aggregate classification (germline): Uncertain significance (1 of 4 stars; one submission).

Conditions:
Early Myoclonic Encephalopathy. Identifiers: MedGen C0270855.

Allele frequency attached by ClinVar (database versions not stated): gnomAD exomes below 0.00001.
gnomAD v4.1: 1 of 1,614,046 alleles (0.000062%); highest among the groups gnomAD compares: Non-Finnish European, 0.000085%; no homozygotes.

Submission:

Labcorp Genetics (formerly Invitae), Labcorp
Classification: Uncertain significance for Early Myoclonic Encephalopathy. Last evaluated: 2022-09-20. Review status: criteria provided, single submitter. Criteria: Invitae Variant Classification Sherloc (09022015). Collection method: clinical testing. Allele origin: germline.
Comment: This variant is not present in population databases (gnomAD no frequency). This sequence change replaces serine, which is neutral and polar, with threonine, which is neutral and polar, at codon 567 of the JMJD1C protein (p.Ser567Thr). In summary, the available evidence is currently insufficient to determine the role of this variant in disease. Therefore, it has been classified as a Variant of Uncertain Significance. Advanced modeling of protein sequence and biophysical properties (such as structural, functional, and spatial information, amino acid conservation, physicochemical variation, residue mobility, and thermodynamic stability) performed at Invitae indicates that this missense variant is not expected to disrupt JMJD1C protein function. This variant has not been reported in the literature in individuals affected with JMJD1C-related conditions.